The following is an entry in ClinVar:

NM_012203.2(GRHPR):c.540del (p.Leu181fs)

Gene: GRHPR (glyoxylate and hydroxypyruvate reductase; plus strand). Cytogenetic location: 9p13.2.
Variant type: Deletion.
Coding change: c.540del on transcript NM_012203.2 (MANE Select); coding-DNA position 540, one base deleted (T; older notation c.540delT).
Protein change: p.Leu181fs; shifts the reading frame from leucine 181.
Molecular consequence: frameshift variant.
Genome position (GRCh38, 1-based): chr9:37,429,778, T deleted; the last of 3 consecutive T bases (chr9:37,429,776-37,429,778); deleting any one gives the same sequence. VCF-style (leftmost placement, unchanged base first): chr9-37429775-AT-A. GRCh37 (hg19) VCF-style: chr9-37429772-AT-A.
Other names: c.540del (NM_012203.1); short protein forms L181fs.
Identifiers: ClinVar variation 204251 (VCV000204251.6), dbSNP rs180177315, ClinGen allele CA275910.

ClinVar aggregate classification (germline): Pathogenic/Likely pathogenic. Review status: criteria provided, multiple submitters, no conflicts (2 of 4 stars). 3 submissions from 3 submitters: Pathogenic (1); Likely pathogenic (1). 1 of the submissions does not count toward it. Last evaluated 2025-11-12.

Conditions:
Primary hyperoxaluria, type II (HP2). Also called: D-GLYCERATE DEHYDROGENASE DEFICIENCY; GLYCERIC ACIDURIA; GLYOXYLATE REDUCTASE/HYDROXYPYRUVATE REDUCTASE DEFICIENCY; OXALOSIS II; Primary hyperoxaluria type 2. Identifiers: Orphanet 416, Orphanet 93599, MedGen C0268165, MONDO:0009824, OMIM 260000. Disease mechanism: loss of function.

Submissions (3):

Natera, Inc.
Classification: Pathogenic for Primary hyperoxaluria type II. Last evaluated: 2025-11-12. Review status: criteria provided, single submitter. Criteria: Natera Variant Classification Schema (03/2026). Collection method: clinical testing. Allele origin: germline.
Comment: The c.540del variant in GRHPR is a frameshift variant predicted to shift the reading frame beginning at codon 181 and leads to a stop codon 38 codons downstream. This variant is expected to result in nonsense mediated decay, truncation, or a dysfunctional protein product. This variant is rare in the general population with a frequency below the threshold expected for the associated phenotype(s). This variant has been observed in one or more individuals affected with the associated recessive disease, as either homozygous or compound heterozygous with a second variant (PMID: 19283374). Given the available evidence, this variant is classified as Pathogenic.

Revvity Omics, Revvity
Classification: Likely pathogenic for Primary hyperoxaluria, type II. Last evaluated: 2022-06-28. Review status: criteria provided, single submitter. Criteria: ACMG Guidelines, 2015. Collection method: clinical testing. Allele origin: germline.

Clinical Biochemistry Laboratory, Health Services Laboratory
Classification: Pathogenic for Primary hyperoxaluria, type II. Last evaluated: 2014-11-27. Review status: no assertion criteria provided. Collection method: research. Allele origin: germline. Affected: yes. Not counted in ClinVar's aggregate classification.

Literature cited by the submitters: PubMed 19283374 (cited by Natera, Inc.); PubMed 14635115 (cited by Clinical Biochemistry Laboratory, Health Services Laboratory).